The following is an entry in ClinVar:

ClinVar aggregate classification (germline): Pathogenic/Likely pathogenic. Review status: criteria provided, multiple submitters, no conflicts (2 of 4 stars). 2 submissions from 2 submitters: Pathogenic (1); Likely pathogenic (1). Last evaluated 2022-07-03.

Conditions:
FKRP-related disorder. Also called: FKRP-related condition.
Walker-Warburg congenital muscular dystrophy. Also called: Muscular dystrophy-dystroglycanopathy, type A; Walker-Warburg syndrome. Identifiers: Orphanet 899, MedGen C0265221, MONDO:0000171.

Submissions (2):

Labcorp Genetics (formerly Invitae), Labcorp
Classification: Pathogenic for Walker-Warburg congenital muscular dystrophy. Last evaluated: 2022-07-03. Review status: criteria provided, single submitter. Criteria: Invitae Variant Classification Sherloc (09022015). Collection method: clinical testing. Allele origin: germline.
Comment: This sequence change creates a premature translational stop signal (p.Arg48Profs*13) in the FKRP gene. While this is not anticipated to result in nonsense mediated decay, it is expected to disrupt the last 448 amino acid(s) of the FKRP protein. This variant is not present in population databases (gnomAD no frequency). This variant has not been reported in the literature in individuals affected with FKRP-related conditions. This variant disrupts a region of the FKRP protein in which other variant(s) (p.Ser385*) have been determined to be pathogenic (PMID: 11592034, 12666124, 12707425, 14742276). This suggests that this is a clinically significant region of the protein, and that variants that disrupt it are likely to be disease-causing. For these reasons, this variant has been classified as Pathogenic.

Blueprint Genetics
Classification: Likely pathogenic for FKRP-related disorders. Last evaluated: 2018-03-01. Review status: criteria provided, single submitter. Criteria: ACMG Guidelines, 2015. Collection method: clinical testing. Allele origin: germline. Affected: yes. Observed: 1 variant allele.

Literature cited by the submitters: PubMed 11592034 (cited by Labcorp Genetics (formerly Invitae), Labcorp); PubMed 12666124 (cited by Labcorp Genetics (formerly Invitae), Labcorp); PubMed 12707425 (cited by Labcorp Genetics (formerly Invitae), Labcorp); PubMed 14742276 (cited by Labcorp Genetics (formerly Invitae), Labcorp).

NM_024301.5(FKRP):c.142dup (p.Arg48fs)

Gene: FKRP (fukutin related protein; plus strand). Cytogenetic location: 19q13.32.
Variant type: Duplication.
Coding change: c.142dup on transcript NM_024301.5 (MANE Select); coding-DNA position 142, one base duplicated (C; older notation c.142dupC).
Protein change: p.Arg48fs; shifts the reading frame from arginine 48.
Molecular consequence: frameshift variant.
Genome position (GRCh38, 1-based): chr19:46,755,592, C duplicated; the last of 5 consecutive C bases (chr19:46,755,588-46,755,592); duplicating any one gives the same sequence. VCF-style (leftmost placement, unchanged base first): chr19-46755587-G-GC. GRCh37 (hg19) VCF-style: chr19-47258844-G-GC.
Other names: c.142dup, p.Arg48fs (NM_001039885.3); short protein forms R48fs.
Identifiers: ClinVar variation 2013620 (VCV002013620.5), dbSNP rs1555738103, ClinGen allele CA2580097431.